The following is an entry in ClinVar:

ClinVar aggregate classification (germline): Likely benign (0 of 4 stars; one submission).

Conditions:
PLXNA3-related disorder. Also called: PLXNA3-related condition.

Allele frequency attached by ClinVar (database versions not stated): gnomAD 0.00032; TOPMed 0.00035; gnomAD exomes 0.00036; ExAC 0.00061; 1000 Genomes Project 30x 0.00083; 1000 Genomes Project 0.00106.
gnomAD v4.1: 440 of 1,181,807 alleles (0.037%); highest among the groups gnomAD compares: East Asian, 0.5%; 2 homozygotes.

Submission:

PreventionGenetics, part of Exact Sciences
Classification: Likely benign for PLXNA3-related condition. Last evaluated: 2021-07-26. Review status: no assertion criteria provided. Collection method: clinical testing. Allele origin: germline.
Comment: This variant is classified as likely benign based on ACMG/AMP sequence variant interpretation guidelines (Richards et al. 2015 PMID: 25741868, with internal and published modifications).

NM_017514.5(PLXNA3):c.1134C>T (p.Thr378=)

Gene: PLXNA3 (plexin A3; plus strand). Cytogenetic location: Xq28.
Variant type: single nucleotide variant.
Coding change: c.1134C>T on transcript NM_017514.5 (MANE Select); coding-DNA position 1134, C replaced by T.
Protein change: p.Thr378=; no amino-acid change (threonine 378 retained).
Molecular consequence: synonymous variant.
Genome position (GRCh38, 1-based): chrX:154,461,638, C>T. VCF-style: chrX-154461638-C-T. GRCh37 (hg19) VCF-style: chrX-153689978-C-T.
Identifiers: ClinVar variation 3055000 (VCV003055000.2), dbSNP rs201950962, ClinGen allele CA10563906.